The following is an entry in ClinVar:

NM_002470.4(MYH3):c.3340-2A>C

Gene: MYH3 (myosin heavy chain 3; minus strand). Cytogenetic location: 17p13.1.
Variant type: single nucleotide variant.
Coding change: c.3340-2A>C on transcript NM_002470.4 (MANE Select); the canonical splice acceptor site of the intron before coding-DNA position 3340, A replaced by C.
Molecular consequence: splice acceptor variant.
Genome position (GRCh38, 1-based): chr17:10,638,434, T>G on the plus strand (A>C on the coding strand, the complement: MYH3 is on the minus strand). VCF-style: chr17-10638434-T-G. GRCh37 (hg19) VCF-style: chr17-10541751-T-G.
Identifiers: ClinVar variation 3642788 (VCV003642788.2).
Genomic context (GRCh38, chr17:10,638,434, plus strand): 5'-GTCTTCGCGCGGGTGGCCCTCTCCGCCTCTATCTCCTCTTCCAGCTCCTCAATTCGAGCC[T>G]GTGGAGGGCAGCCGTTCACCCCGTGGGCAGTGGGTTCACCGCGGGGACTCTGATTGCCAA-3'

ClinVar aggregate classification (germline): Likely pathogenic (1 of 4 stars; one submission).

Submission:

Labcorp Genetics (formerly Invitae), Labcorp
Classification: Likely pathogenic. Last evaluated: 2024-05-22. Review status: criteria provided, single submitter. Criteria: Invitae Variant Classification Sherloc (09022015). Collection method: clinical testing. Allele origin: germline.
Comment: This sequence change affects an acceptor splice site in intron 26 of the MYH3 gene. It is expected to disrupt RNA splicing. Variants that disrupt the donor or acceptor splice site typically lead to a loss of protein function (PMID: 16199547), and loss-of-function variants in MYH3 are known to be pathogenic (PMID: 29805041, 30008475). This variant is not present in population databases (gnomAD no frequency). This variant has not been reported in the literature in individuals affected with MYH3-related conditions. Algorithms developed to predict the effect of sequence changes on RNA splicing suggest that this variant may disrupt the consensus splice site. In summary, the currently available evidence indicates that the variant is pathogenic, but additional data are needed to prove that conclusively. Therefore, this variant has been classified as Likely Pathogenic.

Literature cited by the submitters: PubMed 16199547; PubMed 29805041; PubMed 30008475.